The following is an entry in ClinVar:

NM_019842.4(KCNQ5):c.1801A>G (p.Ser601Gly)

Gene: KCNQ5 (potassium voltage-gated channel subfamily Q member 5; plus strand). Cytogenetic location: 6q13.
Variant type: single nucleotide variant.
Coding change: c.1801A>G on transcript NM_019842.4 (MANE Select); coding-DNA position 1801, A replaced by G.
Protein change: p.Ser601Gly; replaces serine 601 with glycine.
Molecular consequence: missense variant.
Genome position (GRCh38, 1-based): chr6:73,192,656, A>G. VCF-style: chr6-73192656-A-G. GRCh37 (hg19) VCF-style: chr6-73902379-A-G.
Other names: c.1774A>G, p.Ser592Gly (NM_001160130.2); c.1831A>G, p.Ser611Gly (NM_001160132.2); c.1858A>G, p.Ser620Gly (NM_001160133.2); c.1471A>G, p.Ser491Gly (NM_001160134.2); short protein forms S491G, S592G, S601G, S611G, S620G.
Identifiers: ClinVar variation 4685053 (VCV004685053.1).

ClinVar aggregate classification (germline): Uncertain significance (1 of 4 stars; one submission).

Submission:

GeneDx
Classification: Uncertain significance. Last evaluated: 2025-07-11. Review status: criteria provided, single submitter. Criteria: GeneDx Variant Classification Process June 2021. Collection method: clinical testing. Allele origin: germline. Affected: yes.
Comment: Not observed at significant frequency in large population cohorts (gnomAD); In silico analysis supports that this missense variant has a deleterious effect on protein structure/function; In silico analysis supports a deleterious effect on splicing; Has not been previously published as pathogenic or benign to our knowledge